The following is an entry in ClinVar:

NM_003265.3(TLR3):c.86C>T (p.Thr29Ile)

Gene: TLR3 (toll like receptor 3; plus strand). Cytogenetic location: 4q35.1.
Variant type: single nucleotide variant.
Coding change: c.86C>T on transcript NM_003265.3 (MANE Select); coding-DNA position 86, C replaced by T.
Protein change: p.Thr29Ile; replaces threonine 29 with isoleucine.
Molecular consequence: missense variant.
Genome position (GRCh38, 1-based): chr4:186,076,705, C>T. VCF-style: chr4-186076705-C-T. GRCh37 (hg19) VCF-style: chr4-186997859-C-T.
Other names: short protein forms T29I.
Identifiers: ClinVar variation 1018948 (VCV001018948.9), dbSNP rs2099302516, ClinGen allele CA359107266.

ClinVar aggregate classification (germline): Uncertain significance (1 of 4 stars; one submission).

Conditions:
Encephalopathy, acute, infection-induced (herpes-specific), susceptibility to, 1. Also called: Herpes simplex encephalitis, susceptibility to, 1. Identifiers: Orphanet 1930, MedGen C2750180, MONDO:0024563, OMIM 610551.

Submission:

Labcorp Genetics (formerly Invitae), Labcorp
Classification: Uncertain significance for Encephalopathy, acute, infection-induced (herpes-specific), susceptibility to, 1. Last evaluated: 2024-03-04. Review status: criteria provided, single submitter. Criteria: Invitae Variant Classification Sherloc (09022015). Collection method: clinical testing. Allele origin: germline.
Comment: This sequence change replaces threonine, which is neutral and polar, with isoleucine, which is neutral and non-polar, at codon 29 of the TLR3 protein (p.Thr29Ile). This variant is not present in population databases (gnomAD no frequency). This variant has not been reported in the literature in individuals affected with TLR3-related conditions. ClinVar contains an entry for this variant (Variation ID: 1018948). Algorithms developed to predict the effect of missense changes on protein structure and function output the following: SIFT: "Not Available"; PolyPhen-2: "Benign"; Align-GVGD: "Not Available". The isoleucine amino acid residue is found in multiple mammalian species, which suggests that this missense change does not adversely affect protein function. In summary, the available evidence is currently insufficient to determine the role of this variant in disease. Therefore, it has been classified as a Variant of Uncertain Significance.